The following is an entry in ClinVar:

ClinVar aggregate classification (germline): Uncertain significance (1 of 4 stars; one submission).

Conditions:
CACNA1B-related neurodevelopmental disorder.

Allele frequency attached by ClinVar (database versions not stated): TOPMed 0.00002; gnomAD 0.00004; gnomAD exomes 0.00012; ExAC 0.00016.
gnomAD v4.1: 83 of 1,570,916 alleles (0.0053%); highest among the groups gnomAD compares: South Asian, 0.063%; no homozygotes.

Submission:

Illumina Laboratory Services, Illumina
Classification: Uncertain significance for CACNA1B-related neurodevelopmental disorder. Last evaluated: 2021-03-08. Review status: criteria provided, single submitter. Criteria: ICSLVariantClassificationCriteria RUGD 01 April 2020. Collection method: clinical testing. Allele origin: unknown.
Comment: The CACNA1B c.4584+4C>T variant is a splice region variant. A literature search was performed for the gene and cDNA change. No publications were found based on this search. The c.4584+4C>T variant is reported at a frequency of 0.000834 in the South Asian population of the Genome Aggregation Database. The c.4584+4C>T variant is not predicted to affect splicing based on a splicing prediction algorithm (Jaganathan et al. 2019). Based on the limited evidence, c.4584+4C>T variant is classified as a variant of uncertain significance for CACNA1B-related neurodevelopmental disorder.

Literature cited by the submitters: PubMed 30661751.

NM_000718.4(CACNA1B):c.4584+4C>T

Gene: CACNA1B (calcium voltage-gated channel subunit alpha1 B; plus strand). Cytogenetic location: 9q34.3.
Variant type: single nucleotide variant.
Coding change: c.4584+4C>T on transcript NM_000718.4 (MANE Select); 4 bases into the intron after coding-DNA position 4584, C replaced by T.
Molecular consequence: intron variant.
Genome position (GRCh38, 1-based): chr9:138,059,193, C>T. VCF-style: chr9-138059193-C-T. GRCh37 (hg19) VCF-style: chr9-140953645-C-T.
Other names: c.4584+4C>T (NM_001243812.2).
Identifiers: ClinVar variation 1199183 (VCV001199183.4), dbSNP rs779077983, ClinGen allele CA5377028.
Genomic context (GRCh38, chr9:138,059,193, plus strand): 5'-TTCACATCCATGTTCTCCATGGAATGCGTGCTGAAGATCATCGCCTTTGGGGTGCTGGTA[C>T]GTGCTTTGGTCCCTGCTTTGCCTTTTGACAACCTATATTCTGGTTCCCCATCTGTAGGGC-3'